The following is an entry in ClinVar:

NM_001256071.3(RNF213):c.4402G>A (p.Ala1468Thr)

Gene: RNF213 (ring finger protein 213; plus strand). Cytogenetic location: 17q25.3.
Variant type: single nucleotide variant.
Coding change: c.4402G>A on transcript NM_001256071.3 (MANE Select); coding-DNA position 4402, G replaced by A.
Protein change: p.Ala1468Thr; replaces alanine 1468 with threonine.
Molecular consequence: missense variant.
Genome position (GRCh38, 1-based): chr17:80,336,253, G>A. VCF-style: chr17-80336253-G-A. GRCh37 (hg19) VCF-style: chr17-78310053-G-A.
Other names: c.4549G>A, p.Ala1517Thr (NM_001410195.1, NM_020914.5); short protein forms A1468T, A1517T.
Identifiers: ClinVar variation 2969308 (VCV002969308.3), dbSNP rs574116086, ClinGen allele CA294910832.

ClinVar aggregate classification (germline): Uncertain significance (1 of 4 stars; one submission).

Allele frequency attached by ClinVar (database versions not stated): 1000 Genomes Project 0.00020; TOPMed below 0.00001; gnomAD exomes 0.00001; gnomAD 0.00001; 1000 Genomes Project 30x 0.00016.
gnomAD v4.1: 9 of 1,537,210 alleles (0.00059%); highest among the groups gnomAD compares: African/African-American, 0.0014%; no homozygotes.

Submission:

Labcorp Genetics (formerly Invitae), Labcorp
Classification: Uncertain significance. Last evaluated: 2025-03-10. Review status: criteria provided, single submitter. Criteria: Invitae Variant Classification Sherloc (09022015). Collection method: clinical testing. Allele origin: germline.
Comment: This sequence change replaces alanine, which is neutral and non-polar, with threonine, which is neutral and polar, at codon 1468 of the RNF213 protein (p.Ala1468Thr). This variant is present in population databases (rs574116086, gnomAD 0.002%). This variant has not been reported in the literature in individuals affected with RNF213-related conditions. ClinVar contains an entry for this variant (Variation ID: 2969308). Invitae Evidence Modeling of protein sequence and biophysical properties (such as structural, functional, and spatial information, amino acid conservation, physicochemical variation, residue mobility, and thermodynamic stability) indicates that this missense variant is not expected to disrupt RNF213 protein function with a negative predictive value of 95%. In summary, the available evidence is currently insufficient to determine the role of this variant in disease. Therefore, it has been classified as a Variant of Uncertain Significance.